The following is an entry in ClinVar:

NM_004208.4(AIFM1):c.248A>G (p.Tyr83Cys)

Genes: AIFM1 (apoptosis inducing factor mitochondria associated 1; minus strand), RAB33A (RAB33A, member RAS oncogene family; plus strand). Cytogenetic location: Xq26.1.
Variant type: single nucleotide variant.
Coding change: c.248A>G on transcript NM_004208.4 (MANE Select); coding-DNA position 248, A replaced by G.
Protein change: p.Tyr83Cys; replaces tyrosine 83 with cysteine.
Molecular consequence: missense variant. On other transcripts: intron variant (1).
Genome position (GRCh38, 1-based): chrX:130,156,462, T>C on the plus strand (A>G on the coding strand, the complement: AIFM1 is on the minus strand). VCF-style: chrX-130156462-T-C. GRCh37 (hg19) VCF-style: chrX-129290436-T-C.
Other names: c.248A>G, p.Tyr83Cys (NM_001130847.4); c.107-1176A>G (NM_145812.3); short protein forms Y83C.
Identifiers: ClinVar variation 914370 (VCV000914370.9), dbSNP rs1488258655, ClinGen allele CA414593684.
Genomic context (GRCh38, chrX:130,156,462, plus strand): 5'-CGAGTCTATTAATGGGAGCTGTTTGGCAGCTTCTTTATACACGCTGCTTTTCTACTTACA[T>C]AGGCACCAGCTCCTACTGTTGATAAGCCCACAATAAGGACTAACACAGAATTATCGATTT-3'
Protein context (NP_004199.1, residues 73-93): VGLSTVGAGA[Tyr83Cys]AYKTMKEDEK

ClinVar aggregate classification (germline): Uncertain significance. Review status: criteria provided, multiple submitters, no conflicts (2 of 4 stars). 3 submissions from 3 submitters: Uncertain significance (3). Last evaluated 2026-04-01.

Conditions:
Severe X-linked mitochondrial encephalomyopathy. Also called: ENCEPHALOMYOPATHY, MITOCHONDRIAL, X-LINKED. Identifiers: Orphanet 238329, MedGen C3151753, MONDO:0010437, OMIM 300816.
Charcot-Marie-Tooth Neuropathy X. Identifiers: MedGen CN118851.
Combined oxidative phosphorylation deficiency. Identifiers: MedGen C4540031, MONDO:0000732.

Allele frequency attached by ClinVar (database versions not stated): gnomAD exomes 0.00001 and 0.00002.
gnomAD v4.1: 8 of 1,211,758 alleles (0.00066%); highest among the groups gnomAD compares: East Asian, 0.003%; no homozygotes.

Submissions (3):

GeneDx
Classification: Uncertain significance. Last evaluated: 2026-04-01. Review status: criteria provided, single submitter. Criteria: GeneDx Variant Classification Process June 2021. Collection method: clinical testing. Allele origin: germline.
Comment: In silico analysis supports that this missense variant has a deleterious effect on protein structure/function; Has not been previously published as pathogenic or benign to our knowledge

Labcorp Genetics (formerly Invitae), Labcorp
Classification: Uncertain significance for Charcot-Marie-Tooth Neuropathy X; Combined oxidative phosphorylation deficiency. Last evaluated: 2022-01-15. Review status: criteria provided, single submitter. Criteria: Invitae Variant Classification Sherloc (09022015). Collection method: clinical testing. Allele origin: germline.
Comment: ClinVar contains an entry for this variant (Variation ID: 914370). Algorithms developed to predict the effect of missense changes on protein structure and function are either unavailable or do not agree on the potential impact of this missense change (SIFT: "Tolerated"; PolyPhen-2: "Probably Damaging"; Align-GVGD: "Class C0"). In summary, the available evidence is currently insufficient to determine the role of this variant in disease. Therefore, it has been classified as a Variant of Uncertain Significance. This variant has not been reported in the literature in individuals affected with AIFM1-related conditions. This sequence change replaces tyrosine, which is neutral and polar, with cysteine, which is neutral and slightly polar, at codon 83 of the AIFM1 protein (p.Tyr83Cys). This variant is present in population databases (no rsID available, gnomAD 0.01%).

Illumina Laboratory Services, Illumina
Classification: Uncertain significance for Severe X-linked mitochondrial encephalomyopathy. Last evaluated: 2018-01-13. Review status: criteria provided, single submitter. Criteria: ICSL Variant Classification Criteria 13 December 2019. Collection method: clinical testing. Allele origin: germline.